The following is an entry in ClinVar:

NM_001374385.1(ATP8B1):c.1630+3G>A

Gene: ATP8B1 (ATPase phospholipid transporting 8B1; minus strand). Cytogenetic location: 18q21.31.
Variant type: single nucleotide variant.
Coding change: c.1630+3G>A on transcript NM_001374385.1 (MANE Select); 3 bases into the intron after coding-DNA position 1630, G replaced by A.
Molecular consequence: intron variant.
Genome position (GRCh38, 1-based): chr18:57,684,033, C>T on the plus strand (G>A on the coding strand, the complement: ATP8B1 is on the minus strand). VCF-style: chr18-57684033-C-T. GRCh37 (hg19) VCF-style: chr18-55351265-C-T.
Other names: c.1630+3G>A (NM_005603.6); c.1480+3G>A (NM_001374386.1).
Identifiers: ClinVar variation 4998478 (VCV004998478.1).

ClinVar aggregate classification (germline): Uncertain significance (1 of 4 stars; one submission).

Conditions:
ATP8B1-related disorder. Also called: ATP8B1-related disorders; ATP8B1-related condition.

gnomAD v4.1: 1 of 1,614,170 alleles (0.000062%); highest among the groups gnomAD compares: Non-Finnish European, 0.000085%; no homozygotes.

Submission:

PreventionGenetics, part of Exact Sciences
Classification: Uncertain significance for ATP8B1-related condition. Last evaluated: 2025-12-28. Review status: criteria provided, single submitter. Criteria: ACMG Guidelines, 2015. Collection method: clinical testing. Allele origin: germline.
Comment: The ATP8B1 c.1630+3G>A variant is predicted to interfere with splicing. This variant is not predicted to alter splicing based on available splicing prediction programs (SpliceAI, Jaganathan et al. 2019. PubMed ID: 30661751). However, the use of computer prediction programs is not equivalent to functional evidence. To our knowledge, this variant has not been reported in the literature or in a large population database (gnomAD), indicating this variant is rare. Although we suspect that this variant may be benign, at this time, the clinical significance of this variant is uncertain due to the absence of conclusive functional and genetic evidence.